The following is an entry in ClinVar:

NM_001267550.2(TTN):c.26762-39TTTGT[9]

Gene: TTN (titin; minus strand). Cytogenetic location: 2q31.2.
Variant type: Microsatellite.
Coding change: c.26762-39TTTGT[9] on transcript NM_001267550.2 (MANE Select); nine copies in a row of the 5-base unit TTTGT starting at c.26762-39; the reference has six copies in a row; three copies, 15 bases duplicated.
Molecular consequence: intron variant.
Genome position (GRCh38, 1-based): chr2:178,713,382-178,713,396, ACAAAACAAAACAAA duplicated on the plus strand (TTTGTTTTGTTTTGT on the coding strand, the reverse complement: TTN is on the minus strand); duplicating any 15 consecutive bases within chr2:178,713,382-178,713,412 gives the same sequence; the position shown is the placement nearest the transcript's 3' end. VCF-style (leftmost placement, unchanged base first): chr2-178713381-T-TACAAAACAAAACAAA. GRCh37 (hg19) VCF-style: chr2-179578108-T-TACAAAACAAAACAAA.
Other names: p.?; c.23030-24_23030-10dup15 (NM_133378.4); c.13282+24671TTTGT[9] (NM_003319.4); c.13858+24671TTTGT[9] (NM_133437.4); c.13657+24671TTTGT[9] (NM_133432.3); c.23030-39TTTGT[9] (NM_133378.4); c.25811-39TTTGT[9] (NM_001256850.1); c.26762-24_26762-10dup15 (NM_001267550.2); and 3 more.
Identifiers: ClinVar variation 332907 (VCV000332907.19), dbSNP rs71393436, ClinGen allele CA10613153.

ClinVar aggregate classification (germline): Benign/Likely benign. Review status: criteria provided, multiple submitters, no conflicts (2 of 4 stars). 4 submissions from 4 submitters: Benign (1); Likely benign (2). 1 of the submissions does not count toward it. Last evaluated 2026-02-03.

Conditions:
Autosomal recessive limb-girdle muscular dystrophy type 2J (LGMDR10). Also called: Limb-girdle muscular dystrophy, type 2J; MUSCULAR DYSTROPHY, LIMB-GIRDLE, AUTOSOMAL RECESSIVE 10. Identifiers: Orphanet 140922, MedGen C1837342, MONDO:0012127, OMIM 608807.
Dilated cardiomyopathy 1G (CMD1G). Identifiers: Orphanet 154, MedGen C1858763, MONDO:0011400, OMIM 604145.
TTN-related disorder. Also called: TTN-related condition; TTN-related disease; TTN-related disorders.

Submissions (4):

Labcorp Genetics (formerly Invitae), Labcorp
Classification: Likely benign for Dilated cardiomyopathy 1G; Autosomal recessive limb-girdle muscular dystrophy type 2J. Last evaluated: 2026-02-03. Review status: criteria provided, single submitter. Criteria: Invitae Variant Classification Sherloc (09022015). Collection method: clinical testing. Allele origin: germline.

Mayo Clinic Laboratories, Mayo Clinic
Classification: Likely benign. Last evaluated: 2025-04-09. Review status: criteria provided, single submitter. Criteria: ACMG Guidelines, 2015. Collection method: clinical testing. Allele origin: germline. Observed: 1 variant allele.
Comment: BS1, BP4, BP7

Women's Health and Genetics/Laboratory Corporation of America, LabCorp
Classification: Benign. Last evaluated: 2022-12-19. Review status: criteria provided, single submitter. Criteria: LabCorp Variant Classification Summary - May 2015. Collection method: clinical testing. Allele origin: germline.
Comment: Variant summary: TTN c.23030-24_23030-10dup15 alters a nucleotide located close to a canonical splice site and therefore could affect mRNA splicing, leading to a significantly altered protein sequence. 4/4 computational tools predict no significant impact on normal splicing. However, these predictions have yet to be confirmed by functional studies. The variant allele was found at a frequency of 0.00068 in 31042 control chromosomes. The observed variant frequency is approximately 2 fold of the estimated maximal expected allele frequency for a pathogenic variant in TTN causing Dilated Cardiomyopathy phenotype (0.00039), strongly suggesting that the variant is benign. To our knowledge, no occurrence of c.23030-24_23030-10dup15 in individuals affected with Dilated Cardiomyopathy and no experimental evidence demonstrating its impact on protein function have been reported. Two clinical diagnostic laboratories have submitted clinical-significance assessments for this variant to ClinVar after 2014 without evidence for independent evaluation. One laboratory classified the variant as likely benign, and one laboratory classified the variant as uncertain significance. Based on the evidence outlined above, the variant was classified as benign.

PreventionGenetics, part of Exact Sciences
Classification: Likely benign for TTN-related condition. Last evaluated: 2019-07-19. Review status: no assertion criteria provided. Collection method: clinical testing. Allele origin: germline. Not counted in ClinVar's aggregate classification.
Comment: This variant is classified as likely benign based on ACMG/AMP sequence variant interpretation guidelines (Richards et al. 2015 PMID: 25741868, with internal and published modifications).